The following is an entry in ClinVar:

ClinVar aggregate classification (germline): Uncertain significance (1 of 4 stars; one submission).

Conditions:
Aniridia 1 (AN1). Identifiers: Orphanet 250923, MedGen C0344542, MONDO:0024507, OMIM 106210.
Irido-corneo-trabecular dysgenesis (ASGD5). Also called: ANTERIOR SEGMENT DYSGENESIS 5. Identifiers: Orphanet 708, MedGen C0344559, MONDO:0011414, OMIM 604229, HP:0000659.

Submission:

Labcorp Genetics (formerly Invitae), Labcorp
Classification: Uncertain significance for Aniridia 1; Irido-corneo-trabecular dysgenesis. Last evaluated: 2025-04-11. Review status: criteria provided, single submitter. Criteria: Invitae Variant Classification Sherloc (09022015). Collection method: clinical testing. Allele origin: germline.
Comment: This sequence change replaces aspartic acid, which is acidic and polar, with histidine, which is basic and polar, at codon 198 of the PAX6 protein (p.Asp198His). This variant is not present in population databases (gnomAD no frequency). This variant has not been reported in the literature in individuals affected with PAX6-related conditions. Invitae Evidence Modeling of protein sequence and biophysical properties (such as structural, functional, and spatial information, amino acid conservation, physicochemical variation, residue mobility, and thermodynamic stability) indicates that this missense variant is not expected to disrupt PAX6 protein function with a negative predictive value of 80%. In summary, the available evidence is currently insufficient to determine the role of this variant in disease. Therefore, it has been classified as a Variant of Uncertain Significance.

NM_001368894.2(PAX6):c.634G>C (p.Asp212His)

Gene: PAX6 (paired box 6; minus strand). Cytogenetic location: 11p13.
Variant type: single nucleotide variant.
Coding change: c.634G>C on transcript NM_001368894.2 (MANE Select); coding-DNA position 634, G replaced by C.
Protein change: p.Asp212His; replaces aspartic acid 212 with histidine.
Molecular consequence: missense variant. On other transcripts: 5 prime UTR variant (1), non-coding transcript variant (2).
Genome position (GRCh38, 1-based): chr11:31,794,720, C>G on the plus strand (G>C on the coding strand, the complement: PAX6 is on the minus strand). VCF-style: chr11-31794720-C-G. GRCh37 (hg19) VCF-style: chr11-31816268-C-G.
Other names: c.592G>C, p.Asp198His (NM_000280.6, NM_001127612.3, NM_001258464.2 and 10 more transcripts); c.634G>C, p.Asp212His (NM_001258462.3, NM_001258463.2, NM_001310158.2 and 6 more transcripts); c.184G>C, p.Asp62His (NM_001310160.2, NM_001368907.2, NM_001368908.2 and 11 more transcripts); c.835G>C, p.Asp279His (NM_001368910.2); c.637G>C, p.Asp213His (NM_001368911.2); c.709G>C, p.Asp237His (NM_001368918.2, NM_001368919.2); c.667G>C, p.Asp223His (NM_001368920.2); c.433G>C, p.Asp145His (NM_001368921.2, NM_001368922.2, NM_001368923.2 and 4 more transcripts); and 2 more; short protein forms D213H, D223H, D145H, D212H, D237H, D279H, D62H, D131H.
Identifiers: ClinVar variation 4782788 (VCV004782788.1).